The following is an entry in ClinVar:

ClinVar aggregate classification (germline): Uncertain significance (1 of 4 stars; one submission).

Conditions:
Telangiectasia, hereditary hemorrhagic, type 2 (HHT2). Also called: ACVRL1-Related Hereditary Hemorrhagic Telangiectasia; Telangiectasia, hereditary hemorrhagic, type II. Identifiers: Orphanet 774, MedGen C1838163, MONDO:0010880, OMIM 600376. Disease mechanism: loss of function.

Submission:

Labcorp Genetics (formerly Invitae), Labcorp
Classification: Uncertain significance for Telangiectasia, hereditary hemorrhagic, type 2. Last evaluated: 2024-10-27. Review status: criteria provided, single submitter. Criteria: Invitae Variant Classification Sherloc (09022015). Collection method: clinical testing. Allele origin: germline.
Comment: This sequence change replaces leucine, which is neutral and non-polar, with glutamine, which is neutral and polar, at codon 405 of the ACVRL1 protein (p.Leu405Gln). This variant is not present in population databases (gnomAD no frequency). This variant has not been reported in the literature in individuals affected with ACVRL1-related conditions. Invitae Evidence Modeling of protein sequence and biophysical properties (such as structural, functional, and spatial information, amino acid conservation, physicochemical variation, residue mobility, and thermodynamic stability) indicates that this missense variant is expected to disrupt ACVRL1 protein function with a positive predictive value of 95%. In summary, the available evidence is currently insufficient to determine the role of this variant in disease. Therefore, it has been classified as a Variant of Uncertain Significance.

NM_000020.3(ACVRL1):c.1214T>A (p.Leu405Gln)

Gene: ACVRL1 (activin A receptor like type 1; plus strand). Cytogenetic location: 12q13.13.
Variant type: single nucleotide variant.
Coding change: c.1214T>A on transcript NM_000020.3 (MANE Select); coding-DNA position 1214, T replaced by A.
Protein change: p.Leu405Gln; replaces leucine 405 with glutamine.
Molecular consequence: missense variant. On other transcripts: intron variant (1).
Genome position (GRCh38, 1-based): chr12:51,916,201, T>A. VCF-style: chr12-51916201-T-A. GRCh37 (hg19) VCF-style: chr12-52309985-T-A.
Other names: c.1214T>A, p.Leu405Gln (NM_001077401.2, NM_001406487.1, NM_001406488.1 and 1 more transcripts); c.650T>A, p.Leu217Gln (NM_001406495.1); c.736+701T>A (NM_001406494.1); c.902T>A, p.Leu301Gln (NM_001406490.1, NM_001406491.1, NM_001406492.1 and 1 more transcripts); short protein forms L217Q, L301Q, L405Q.
Identifiers: ClinVar variation 3635226 (VCV003635226.2).